The following is an entry in ClinVar:

ClinVar aggregate classification (germline): Pathogenic (1 of 4 stars; one submission).

Conditions:
Fanconi anemia complementation group A (FANCA). Also called: FANCA-Related Fanconi Anemia; Fanconi anemia, group A. Identifiers: Orphanet 84, MedGen C3469521, MONDO:0009215, OMIM 227650.

Submission:

Myriad Genetics, Inc.
Classification: Pathogenic for Fanconi anemia complementation group A. Last evaluated: 2025-11-20. Review status: criteria provided, single submitter. Criteria: Myriad Autosomal Dominant, Autosomal Recessive and X-Linked Classification Criteria (2023). Collection method: clinical testing. Allele origin: unknown.
Comment: NM_000135.2(FANCA):c.2545delT(S849Lfs*40) is a frameshift variant classified as pathogenic in the context of Fanconi anemia complementation group A. S849Lfs*40 has not been observed in cases with relevant disease. Relevant functional assessments of this variant are not available in the literature. S849Lfs*40 has not been observed in referenced population frequency databases. In summary, NM_000135.2(FANCA):c.2545delT(S849Lfs*40) is a frameshift variant in a gene where loss of function is a known mechanism of disease and is predicted to disrupt protein function. Please note: this variant was assessed in the context of healthy population screening.

NM_000135.4(FANCA):c.2545del (p.Ser849fs)

Gene: FANCA (FA complementation group A; minus strand). Cytogenetic location: 16q24.3.
Variant type: Deletion.
Coding change: c.2545del on transcript NM_000135.4 (MANE Select); coding-DNA position 2545, one base deleted (T; older notation c.2545delT).
Protein change: p.Ser849fs; shifts the reading frame from serine 849.
Molecular consequence: frameshift variant.
Genome position (GRCh38, 1-based): chr16:89,767,197, A deleted on the plus strand (T on the coding strand, the reverse complement: FANCA is on the minus strand); the first of 4 consecutive A bases (chr16:89,767,197-89,767,200); deleting any one gives the same sequence. VCF-style (leftmost placement, unchanged base first): chr16-89767196-GA-G. GRCh37 (hg19) VCF-style: chr16-89833604-GA-G.
Other names: c.2545del, p.Ser849fs (NM_001286167.3); short protein forms S849fs.
Identifiers: ClinVar variation 5004292 (VCV005004292.1).